The following is an entry in ClinVar:

NM_006996.3(SLC19A2):c.1134T>C (p.Tyr378=)

Gene: SLC19A2 (solute carrier family 19 member 2; minus strand). Cytogenetic location: 1q24.2.
Variant type: single nucleotide variant.
Coding change: c.1134T>C on transcript NM_006996.3 (MANE Select); coding-DNA position 1134, T replaced by C.
Protein change: p.Tyr378=; no amino-acid change (tyrosine 378 retained).
Molecular consequence: synonymous variant.
Genome position (GRCh38, 1-based): chr1:169,468,733, A>G on the plus strand (T>C on the coding strand, the complement: SLC19A2 is on the minus strand). VCF-style: chr1-169468733-A-G. GRCh37 (hg19) VCF-style: chr1-169437971-A-G.
Other names: c.531T>C, p.Tyr177= (NM_001319667.1).
Identifiers: ClinVar variation 1988328 (VCV001988328.28), dbSNP rs781443514, ClinGen allele CA1232913.
Genomic context (GRCh38, chr1:169,468,733, plus strand): 5'-GATTCTGAAGACAACATAGGATGCATAGCACACCCAAATGTTACCCACAGTGTCCATGAT[A>G]TACACTGCAGCAGCAATCAGGAGAGAAAAGAGAGATAATGTCATTTCTCCCCAAGTTGAC-3'
Protein context (NP_008927.1, residues 368-388): LFSLLIAAAV[Tyr378=]IMDTVGNIWV

ClinVar aggregate classification (germline): Likely benign. Review status: criteria provided, multiple submitters, no conflicts (2 of 4 stars). 2 submissions from 2 submitters: Likely benign (2). Last evaluated 2025-10-02.

Allele frequency attached by ClinVar (database versions not stated): ExAC 0.00001; gnomAD 0.00002; TOPMed 0.00002.
gnomAD v4.1: 48 of 1,612,652 alleles (0.003%); highest among the groups gnomAD compares: Middle Eastern, 0.099%; no homozygotes.

Submissions (2):

Labcorp Genetics (formerly Invitae), Labcorp
Classification: Likely benign. Last evaluated: 2025-10-02. Review status: criteria provided, single submitter. Criteria: Invitae Variant Classification Sherloc (09022015). Collection method: clinical testing. Allele origin: germline.

CeGaT Center for Human Genetics Tuebingen
Classification: Likely benign. Last evaluated: 2023-03-01. Review status: criteria provided, single submitter. Criteria: CeGaT Center For Human Genetics Tuebingen Variant Classification Criteria Version 2. Collection method: clinical testing. Allele origin: germline. Affected: yes. Observed: 1 variant allele.
Comment: SLC19A2: BP4, BP7